The following is an entry in ClinVar:

ClinVar aggregate classification (germline): Benign (1 of 4 stars; one submission).

Conditions:
Seizures, benign familial infantile, 3 (BFIS3). Also called: CONVULSIONS, BENIGN FAMILIAL INFANTILE, 3; Familial neonatal seizures. Identifiers: Orphanet 140927, Orphanet 306, MedGen C1843140, MONDO:0011904, OMIM 607745.

Allele frequency attached by ClinVar (database versions not stated): gnomAD exomes 0.00234; gnomAD 0.00934 and 0.00977; TOPMed 0.01031; 1000 Genomes Project 0.01358; 1000 Genomes Project 30x 0.01405.
gnomAD v4.1: 1,488 of 152,648 alleles (0.97%); highest among the groups gnomAD compares: Middle Eastern, 2.4%; 16 homozygotes.

Submission:

Illumina Laboratory Services, Illumina
Classification: Benign for Seizures, benign familial infantile, 3. Last evaluated: 2018-01-12. Review status: criteria provided, single submitter. Criteria: ICSL Variant Classification Criteria 13 December 2019. Collection method: clinical testing. Allele origin: germline.
Comment: This variant was observed in the ICSL laboratory as part of a predisposition screen in an ostensibly healthy population. It had not been previously curated by ICSL or reported in the Human Gene Mutation Database (HGMD: prior to June 1st, 2018), and was therefore a candidate for classification through an automated scoring system. Utilizing variant allele frequency, disease prevalence and penetrance estimates, and inheritance mode, an automated score was calculated to assess if this variant is too frequent to cause the disease. Based on the score and internal cut-off values, a variant classified as benign is not then subjected to further curation. The score for this variant resulted in a classification of benign for this disease.

NM_001040142.2(SCN2A):c.*2423A>G

Gene: SCN2A (sodium voltage-gated channel alpha subunit 2; plus strand). Cytogenetic location: 2q24.3.
Variant type: single nucleotide variant.
Coding change: c.*2423A>G on transcript NM_001040142.2 (MANE Select); 2423 bases downstream of the stop codon, A replaced by G.
Molecular consequence: 3 prime UTR variant.
Genome position (GRCh38, 1-based): chr2:165,392,247, A>G. VCF-style: chr2-165392247-A-G. GRCh37 (hg19) VCF-style: chr2-166248757-A-G.
Other names: c.*2423A>G (NM_001040143.2, NM_001371246.1, NM_001371247.1 and 1 more transcripts).
Identifiers: ClinVar variation 331766 (VCV000331766.5), dbSNP rs77976453, ClinGen allele CA10611513.